The following is an entry in ClinVar:

ClinVar aggregate classification (germline): Uncertain significance (1 of 4 stars; one submission).

Allele frequency attached by ClinVar (database versions not stated): gnomAD 0.00001.
gnomAD v4.1: 1 of 1,610,246 alleles (0.000062%); highest among the groups gnomAD compares: African/African-American, 0.0013%; no homozygotes.

Submission:

Ambry Genetics
Classification: Uncertain significance. Last evaluated: 2021-12-11. Review status: criteria provided, single submitter. Criteria: Ambry Variant Classification Scheme 2023. Collection method: clinical testing. Allele origin: germline.
Comment: The p.Q32P variant (also known as c.95A>C), located in coding exon 1 of the POLQ gene, results from an A to C substitution at nucleotide position 95. The glutamine at codon 32 is replaced by proline, an amino acid with similar properties. This amino acid position is conserved. In addition, this alteration is predicted to be tolerated by in silico analysis. Since supporting evidence is limited at this time, the clinical significance of this alteration remains unclear.

NM_199420.4(POLQ):c.95A>C (p.Gln32Pro)

Genes: POLQ (DNA polymerase theta; minus strand), LOC112872292 (Sharpr-MPRA regulatory region 30; plus strand). Cytogenetic location: 3q13.33.
Variant type: single nucleotide variant.
Coding change: c.95A>C on transcript NM_199420.4 (MANE Select); coding-DNA position 95, A replaced by C.
Protein change: p.Gln32Pro; replaces glutamine 32 with proline.
Molecular consequence: missense variant.
Genome position (GRCh38, 1-based): chr3:121,545,783, T>G on the plus strand (A>C on the coding strand, the complement: POLQ is on the minus strand). VCF-style: chr3-121545783-T-G. GRCh37 (hg19) VCF-style: chr3-121264630-T-G.
Other names: short protein forms Q32P.
Identifiers: ClinVar variation 1767507 (VCV001767507.2), dbSNP rs1362873041, ClinGen allele CA354097226.